The following is an entry in ClinVar:

NM_001042492.3(NF1):c.7915C>T (p.Leu2639Phe)

Gene: NF1 (neurofibromin 1; plus strand). Cytogenetic location: 17q11.2.
Variant type: single nucleotide variant.
Coding change: c.7915C>T on transcript NM_001042492.3 (MANE Select); coding-DNA position 7915, C replaced by T.
Protein change: p.Leu2639Phe; replaces leucine 2639 with phenylalanine.
Molecular consequence: missense variant.
Genome position (GRCh38, 1-based): chr17:31,357,314, C>T. VCF-style: chr17-31357314-C-T. GRCh37 (hg19) VCF-style: chr17-29684332-C-T.
Other names: c.7852C>T, p.Leu2618Phe (NM_000267.4); short protein forms L2618F, L2639F.
Identifiers: ClinVar variation 827288 (VCV000827288.4), dbSNP rs1057518362, ClinGen allele CA399203448.

ClinVar aggregate classification (germline): Uncertain significance (1 of 4 stars; one submission).

Conditions:
Hereditary cancer-predisposing syndrome. Also called: Neoplastic Syndromes, Hereditary; Tumor predisposition; Hereditary neoplastic syndrome; Hereditary Cancer Syndrome. Identifiers: Orphanet 140162, MedGen C0027672, MeSH D009386, MONDO:0015356.
Cardiovascular phenotype. Identifiers: MedGen CN230736.

gnomAD v4.1: 1 of 1,614,024 alleles (0.000062%); highest among the groups gnomAD compares: East Asian, 0.0022%; no homozygotes.

Submission:

Ambry Genetics
Classification: Uncertain significance for Cardiovascular phenotype; Hereditary cancer-predisposing syndrome. Last evaluated: 2019-11-08. Review status: criteria provided, single submitter. Criteria: Ambry Variant Classification Scheme 2023. Collection method: clinical testing. Allele origin: germline.
Comment: The p.L2618F variant (also known as c.7852C>T), located in coding exon 53 of the NF1 gene, results from a C to T substitution at nucleotide position 7852. The leucine at codon 2618 is replaced by phenylalanine, an amino acid with highly similar properties. This amino acid position is highly conserved in available vertebrate species. In addition, the in silico prediction for this alteration is inconclusive. Since supporting evidence is limited at this time, the clinical significance of this alteration remains unclear.